The following is an entry in ClinVar:

ClinVar aggregate classification (germline): Uncertain significance. Review status: criteria provided, multiple submitters, no conflicts (2 of 4 stars). 2 submissions from 2 submitters: Uncertain significance (2). Last evaluated 2022-09-06.

Conditions:
Hereditary spherocytosis type 1. Also called: Spherocytosis type 1; ANK1-Related Spherocytosis. Identifiers: Orphanet 822, MedGen C2674218, MONDO:0008447, OMIM 182900.

Allele frequency attached by ClinVar (database versions not stated): gnomAD exomes 0.00001; TOPMed 0.00001; ExAC 0.00002; gnomAD 0.00003; 1000 Genomes Project 0.00020; 1000 Genomes Project 30x 0.00031.
gnomAD v4.1: 12 of 1,614,234 alleles (0.00074%); highest among the groups gnomAD compares: Middle Eastern, 0.033%; no homozygotes.

Submissions (2):

Labcorp Genetics (formerly Invitae), Labcorp
Classification: Uncertain significance. Last evaluated: 2022-09-06. Review status: criteria provided, single submitter. Criteria: Invitae Variant Classification Sherloc (09022015). Collection method: clinical testing. Allele origin: germline.
Comment: Algorithms developed to predict the effect of missense changes on protein structure and function output the following: SIFT: "Tolerated"; PolyPhen-2: "Benign"; Align-GVGD: "Class C0". The valine amino acid residue is found in multiple mammalian species, which suggests that this missense change does not adversely affect protein function. This sequence change replaces isoleucine, which is neutral and non-polar, with valine, which is neutral and non-polar, at codon 480 of the ANK1 protein (p.Ile480Val). This variant is present in population databases (rs544269725, gnomAD 0.01%). This variant has not been reported in the literature in individuals affected with ANK1-related conditions. In summary, the available evidence is currently insufficient to determine the role of this variant in disease. Therefore, it has been classified as a Variant of Uncertain Significance.

Revvity Omics, Revvity
Classification: Uncertain significance for Hereditary spherocytosis type 1. Last evaluated: 2022-03-16. Review status: criteria provided, single submitter. Criteria: ACMG Guidelines, 2015. Collection method: clinical testing. Allele origin: germline.

NM_000037.4(ANK1):c.1438A>G (p.Ile480Val)

Gene: ANK1 (ankyrin 1; minus strand). Cytogenetic location: 8p11.21.
Variant type: single nucleotide variant.
Coding change: c.1438A>G on transcript NM_000037.4 (MANE Select); coding-DNA position 1438, A replaced by G.
Protein change: p.Ile480Val; replaces isoleucine 480 with valine.
Molecular consequence: missense variant.
Genome position (GRCh38, 1-based): chr8:41,715,816, T>C on the plus strand (A>G on the coding strand, the complement: ANK1 is on the minus strand). VCF-style: chr8-41715816-T-C. GRCh37 (hg19) VCF-style: chr8-41573334-T-C.
Other names: c.1537A>G, p.Ile513Val (NM_001142446.2); c.1438A>G, p.Ile480Val (NM_020475.3, NM_020476.3, NM_020477.3); short protein forms I480V, I513V.
Identifiers: ClinVar variation 2190215 (VCV002190215.7), dbSNP rs544269725, ClinGen allele CA4728616.
Genomic context (GRCh38, chr8:41,715,816, plus strand): 5'-TGGCCAGGTTGGGGTTGGCGTTATTTTCCAGCAGGAGCTTCACCATGTTTGTGTGGCCGA[T>C]GCGAGCTGCACAGTGAAGTGGGGTCTGGTCATCCTGGACCCCGAAGGGAAAACAAAGAAG-3'
Protein context (NP_000028.3, residues 470-490): DQTPLHCAAR[Ile480Val]GHTNMVKLLL